The following is an entry in ClinVar:

NM_014989.7(RIMS1):c.1630A>G (p.Thr544Ala)

Genes: RIMS1 (regulating synaptic membrane exocytosis 1; plus strand), LOC129996709 (ATAC-STARR-seq lymphoblastoid active region 24736; plus strand). Cytogenetic location: 6q13.
Variant type: single nucleotide variant.
Coding change: c.1630A>G on transcript NM_014989.7 (MANE Select); coding-DNA position 1630, A replaced by G.
Protein change: p.Thr544Ala; replaces threonine 544 with alanine.
Molecular consequence: missense variant.
Genome position (GRCh38, 1-based): chr6:72,183,101, A>G. VCF-style: chr6-72183101-A-G. GRCh37 (hg19) VCF-style: chr6-72892804-A-G.
Other names: short protein forms T544A.
Identifiers: ClinVar variation 967286 (VCV000967286.10), dbSNP rs535663104, ClinGen allele CA364822441.

ClinVar aggregate classification (germline): Uncertain significance (1 of 4 stars; one submission).

gnomAD v4.1: 1 of 1,591,728 alleles (0.000063%); highest among the groups gnomAD compares: Middle Eastern, 0.017%; no homozygotes.

Submission:

Labcorp Genetics (formerly Invitae), Labcorp
Classification: Uncertain significance. Last evaluated: 2022-06-13. Review status: criteria provided, single submitter. Criteria: Invitae Variant Classification Sherloc (09022015). Collection method: clinical testing. Allele origin: germline.
Comment: This variant has not been reported in the literature in individuals affected with RIMS1-related conditions. This variant is present in population databases (no rsID available, gnomAD no frequency). This sequence change replaces threonine, which is neutral and polar, with alanine, which is neutral and non-polar, at codon 544 of the RIMS1 protein (p.Thr544Ala). ClinVar contains an entry for this variant (Variation ID: 967286). In summary, the available evidence is currently insufficient to determine the role of this variant in disease. Therefore, it has been classified as a Variant of Uncertain Significance. Algorithms developed to predict the effect of missense changes on protein structure and function are either unavailable or do not agree on the potential impact of this missense change (SIFT: "Deleterious"; PolyPhen-2: "Benign"; Align-GVGD: "Class C55").